The following is an entry in ClinVar:

ClinVar aggregate classification (germline): Uncertain significance (1 of 4 stars; one submission).

Submission:

Labcorp Genetics (formerly Invitae), Labcorp
Classification: Uncertain significance. Last evaluated: 2022-03-10. Review status: criteria provided, single submitter. Criteria: Invitae Variant Classification Sherloc (09022015). Collection method: clinical testing. Allele origin: germline.
Comment: This variant has not been reported in the literature in individuals affected with UNC45A-related conditions. In summary, the available evidence is currently insufficient to determine the role of this variant in disease. Therefore, it has been classified as a Variant of Uncertain Significance. This variant is not present in population databases (gnomAD no frequency). This sequence change creates a premature translational stop signal (p.Leu445Valfs*4) in the UNC45A gene. It is expected to result in an absent or disrupted protein product. However, the current clinical and genetic evidence is not sufficient to establish whether loss-of-function variants in UNC45A cause disease.

NM_018671.5(UNC45A):c.1333_1334del (p.Leu445fs)

Gene: UNC45A (unc-45 myosin chaperone A; plus strand). Cytogenetic location: 15q26.1.
Variant type: Microsatellite.
Coding change: c.1333_1334del on transcript NM_018671.5 (MANE Select); coding-DNA positions 1333 to 1334, 2 bases deleted (CT; older notation c.1333_1334delCT).
Protein change: p.Leu445fs; shifts the reading frame from leucine 445.
Molecular consequence: frameshift variant.
Genome position (GRCh38, 1-based): chr15:90,946,747-90,946,748, CT deleted; deleting any 2 consecutive bases within chr15:90,946,745-90,946,748 gives the same sequence; the c. name uses the placement nearest the transcript's 3' end. VCF-style (leftmost placement, unchanged base first): chr15-90946744-GCT-G. GRCh37 (hg19) VCF-style: chr15-91489974-GCT-G.
Other names: c.1288_1289del, p.Leu430fs (NM_001039675.2, NM_001323621.2); c.1333_1334del, p.Leu445fs (NM_001323619.1); c.898_899del, p.Leu300fs (NM_001323620.2); short protein forms L430fs, L300fs, L445fs.
Identifiers: ClinVar variation 2108342 (VCV002108342.3), dbSNP rs2543155092, ClinGen allele CA2580613332.